The following is an entry in ClinVar:

NM_201384.3(PLEC):c.10033G>A (p.Gly3345Ser)

Gene: PLEC (plectin; minus strand). Cytogenetic location: 8q24.3.
Variant type: single nucleotide variant.
Coding change: c.10033G>A on transcript NM_201384.3 (MANE Select); coding-DNA position 10033, G replaced by A.
Protein change: p.Gly3345Ser; replaces glycine 3345 with serine.
Molecular consequence: missense variant.
Genome position (GRCh38, 1-based): chr8:143,919,788, C>T on the plus strand (G>A on the coding strand, the complement: PLEC is on the minus strand). VCF-style: chr8-143919788-C-T. GRCh37 (hg19) VCF-style: chr8-144993956-C-T.
Other names: p.Gly3372Ser; c.10114G>A, p.Gly3372Ser (NM_000445.5); c.9991G>A, p.Gly3331Ser (NM_201378.4); c.9967G>A, p.Gly3323Ser (NM_201379.3); c.10444G>A, p.Gly3482Ser (NM_201380.4); c.9937G>A, p.Gly3313Ser (NM_201381.3); c.10033G>A, p.Gly3345Ser (NM_201382.4); c.10045G>A, p.Gly3349Ser (NM_201383.3); and 1 more; short protein forms G3372S, G3323S, G3345S, G3313S, G3331S, G3349S, G3482S.
Identifiers: ClinVar variation 639424 (VCV000639424.11), dbSNP rs782552483, ClinGen allele CA4924782.
Genomic context (GRCh38, chr8:143,919,788, plus strand): 5'-TGTCCTCCAGGTAGATGCCGGCGAGGCAGCCACTGCCCTGCAGCAGCGTCCGCACGGAGC[C>T]CAGCTCCGAAAGGTCCTTGACCGTCGTCTTGCCGTCCTTGAGCTGCTCAAACTGGGCTCT-3'
Protein context (NP_958786.1, residues 3335-3355): KTTVKDLSEL[Gly3345Ser]SVRTLLQGSG

ClinVar aggregate classification (germline): Uncertain significance. Review status: criteria provided, multiple submitters, no conflicts (2 of 4 stars). 3 submissions from 3 submitters: Uncertain significance (3). Last evaluated 2025-09-22.

Conditions:
Epidermolysis bullosa simplex 5C, with pyloric atresia (EBS5C). Also called: PLEC-Related Epidermolysis Bullosa with Pyloric Atresia; Epidermolysis bullosa simplex with pyloric atresia; PLEC1-Related Epidermolysis Bullosa with Pyloric Atresia. Identifiers: Orphanet 158684, MedGen C2677349, MONDO:0012807, OMIM 612138.
Epidermolysis bullosa simplex 5B, with muscular dystrophy (EBS5B). Also called: EPIDERMOLYSIS BULLOSA SIMPLEX AND LIMB-GIRDLE MUSCULAR DYSTROPHY; Epidermolysis bullosa simplex with muscular dystrophy. Identifiers: Orphanet 257, MedGen C2931072, MONDO:0009181, OMIM 226670.
Autosomal recessive limb-girdle muscular dystrophy type 2Q (LGMDR17). Also called: MUSCULAR DYSTROPHY, LIMB-GIRDLE, AUTOSOMAL RECESSIVE 17. Identifiers: Orphanet 254361, MedGen C3150989, MONDO:0013390, OMIM 613723.
Epidermolysis bullosa simplex with nail dystrophy (EBS5D). Identifiers: MedGen C4225309, MONDO:0014661, OMIM 616487.
Epidermolysis bullosa simplex, Ogna type (EBS5A). Also called: Pidermolysis bullosa simplex 5A, Ogna type; EPIDERMOLYSIS BULLOSA SIMPLEX 5A, OGNA TYPE. Identifiers: Orphanet 79401, MedGen C0432317, MONDO:0007555, OMIM 131950.

Allele frequency attached by ClinVar (database versions not stated): TOPMed 0.00002; ExAC 0.00005; gnomAD exomes 0.00006.
gnomAD v4.1: 35 of 1,612,650 alleles (0.0022%); highest among the groups gnomAD compares: South Asian, 0.03%; 2 homozygotes.

Submissions (3):

Mayo Clinic Laboratories, Mayo Clinic
Classification: Uncertain significance. Last evaluated: 2025-09-22. Review status: criteria provided, single submitter. Criteria: ACMG Guidelines, 2015. Collection method: clinical testing. Allele origin: germline. Observed: 2 variant alleles.
Comment: BP4_moderate

Athena Diagnostics
Classification: Uncertain significance. Last evaluated: 2023-12-15. Review status: criteria provided, single submitter. Criteria: Athena Diagnostics Criteria. Collection method: clinical testing. Allele origin: unknown.
Comment: Available data are insufficient to determine the clinical significance of the variant at this time. The frequency of this variant in the general population is uninformative in assessment of its pathogenicity. Computational tools predict that this variant is not damaging.

Labcorp Genetics (formerly Invitae), Labcorp
Classification: Uncertain significance for Autosomal recessive limb-girdle muscular dystrophy type 2Q; Epidermolysis bullosa simplex, Ogna type; Epidermolysis bullosa simplex with nail dystrophy; Epidermolysis bullosa simplex 5C, with pyloric atresia; Epidermolysis bullosa simplex 5B, with muscular dystrophy. Last evaluated: 2023-08-24. Review status: criteria provided, single submitter. Criteria: Invitae Variant Classification Sherloc (09022015). Collection method: clinical testing. Allele origin: germline.
Comment: This variant is present in population databases (rs782552483, gnomAD 0.03%). This variant has not been reported in the literature in individuals affected with PLEC-related conditions. ClinVar contains an entry for this variant (Variation ID: 639424). Algorithms developed to predict the effect of missense changes on protein structure and function output the following: SIFT: "Not Available"; PolyPhen-2: "Benign"; Align-GVGD: "Not Available". The serine amino acid residue is found in multiple mammalian species, which suggests that this missense change does not adversely affect protein function. In summary, the available evidence is currently insufficient to determine the role of this variant in disease. Therefore, it has been classified as a Variant of Uncertain Significance. This sequence change replaces glycine, which is neutral and non-polar, with serine, which is neutral and polar, at codon 3372 of the PLEC protein (p.Gly3372Ser).

Literature cited by the submitters: PubMed 30161220 (cited by Athena Diagnostics).